The following is an entry in ClinVar:

ClinVar aggregate classification (germline): Conflicting classifications of pathogenicity. Review status: criteria provided, conflicting classifications (1 of 4 stars). 2 submissions from 2 submitters: Pathogenic (1); Uncertain significance (1). Last evaluated 2026-08-31.

Conditions:
Multiple congenital exostosis (EXT). Also called: Multiple osteochondromas; MULTIPLE CARTILAGINOUS EXOSTOSES; Hereditary multiple osteochondromas; Multiple exostoses; Hereditary multiple exostoses; Hereditary multiple exostosis. Identifiers: Orphanet 321, MedGen C0015306, MONDO:0005508, HP:0002762.

Submissions (2):

GeneDx
Classification: Uncertain significance. Last evaluated: 2026-08-31. Review status: criteria provided, single submitter. Criteria: GeneDx Variant Classification Process June 2021. Collection method: clinical testing. Allele origin: germline.
Comment: Not observed at significant frequency in large population cohorts (gnomAD); In silico analysis supports that this missense variant has a deleterious effect on protein structure/function; This variant is associated with the following publications: (PMID: 36360300, 24532482, 31400121, 40225915)

Labcorp Genetics (formerly Invitae), Labcorp
Classification: Pathogenic for Multiple congenital exostosis. Last evaluated: 2025-08-16. Review status: criteria provided, single submitter. Criteria: Invitae Variant Classification Sherloc (09022015). Collection method: clinical testing. Allele origin: germline.
Comment: This sequence change replaces tyrosine, which is neutral and polar, with cysteine, which is neutral and slightly polar, at codon 271 of the EXT1 protein (p.Tyr271Cys). This variant is not present in population databases (gnomAD no frequency). This missense change has been observed in individual(s) with multiple osteochondromas (PMID: 24532482, 31400121). ClinVar contains an entry for this variant (Variation ID: 419313). Invitae Evidence Modeling of protein sequence and biophysical properties (such as structural, functional, and spatial information, amino acid conservation, physicochemical variation, residue mobility, and thermodynamic stability) indicates that this missense variant is expected to disrupt EXT1 protein function with a positive predictive value of 95%. For these reasons, this variant has been classified as Pathogenic.

Literature cited by the submitters: PubMed 24532482 (cited by Labcorp Genetics (formerly Invitae), Labcorp); PubMed 31400121 (cited by Labcorp Genetics (formerly Invitae), Labcorp).

NM_000127.3(EXT1):c.812A>G (p.Tyr271Cys)

Gene: EXT1 (exostosin glycosyltransferase 1; minus strand). Cytogenetic location: 8q24.11.
Variant type: single nucleotide variant.
Coding change: c.812A>G on transcript NM_000127.3 (MANE Select); coding-DNA position 812, A replaced by G.
Protein change: p.Tyr271Cys; replaces tyrosine 271 with cysteine.
Molecular consequence: missense variant.
Genome position (GRCh38, 1-based): chr8:118,110,235, T>C on the plus strand (A>G on the coding strand, the complement: EXT1 is on the minus strand). VCF-style: chr8-118110235-T-C. GRCh37 (hg19) VCF-style: chr8-119122474-T-C.
Other names: short protein forms Y271C.
Identifiers: ClinVar variation 419313 (VCV000419313.8), dbSNP rs1064793786, ClinGen allele CA16618590.